The following is an entry in ClinVar:

ClinVar aggregate classification (germline): Benign/Likely benign. Review status: criteria provided, multiple submitters, no conflicts (2 of 4 stars). 4 submissions from 4 submitters: Benign (1); Likely benign (3). Last evaluated 2026-07-10.

Conditions:
Hereditary cancer-predisposing syndrome. Also called: Tumor predisposition; Neoplastic Syndromes, Hereditary; Hereditary Cancer Syndrome; Hereditary neoplastic syndrome. Identifiers: Orphanet 140162, MedGen C0027672, MeSH D009386, MONDO:0015356.
Rhabdoid tumor predisposition syndrome 2 (RTPS2). Identifiers: Orphanet 231108, Orphanet 69077, MedGen C2750074, MONDO:0013224, OMIM 613325.

Submissions (4):

Myriad Genetics, Inc.
Classification: Benign for Rhabdoid tumor predisposition syndrome 2. Last evaluated: 2026-07-10. Review status: criteria provided, single submitter. Criteria: Myriad Autosomal Dominant, Autosomal Recessive and X-Linked Classification Criteria (2023). Collection method: clinical testing. Allele origin: unknown.
Comment: This variant is considered benign. This variant is a silent/synonymous amino acid change and it is not expected to impact splicing.

CeGaT Center for Human Genetics Tuebingen
Classification: Likely benign. Last evaluated: 2025-08-01. Review status: criteria provided, single submitter. Criteria: CeGaT Center For Human Genetics Tuebingen Variant Classification Criteria Version 2. Collection method: clinical testing. Allele origin: germline. Affected: yes. Observed: 1 variant allele.
Comment: SMARCA4: PM2:Supporting, BP4, BP7

Labcorp Genetics (formerly Invitae), Labcorp
Classification: Likely benign for Rhabdoid tumor predisposition syndrome 2. Last evaluated: 2025-07-29. Review status: criteria provided, single submitter. Criteria: Invitae Variant Classification Sherloc (09022015). Collection method: clinical testing. Allele origin: germline.

Ambry Genetics
Classification: Likely benign for Hereditary cancer-predisposing syndrome. Last evaluated: 2016-08-04. Review status: criteria provided, single submitter. Criteria: Ambry Variant Classification Scheme 2023. Collection method: clinical testing. Allele origin: germline.

NM_003072.5(SMARCA4):c.1308T>C (p.Ala436=)

Gene: SMARCA4 (SWI/SNF related BAF chromatin remodeling complex subunit ATPase 4; plus strand). Cytogenetic location: 19p13.2.
Variant type: single nucleotide variant.
Coding change: c.1308T>C on transcript NM_003072.5 (MANE Select); coding-DNA position 1308, T replaced by C.
Protein change: p.Ala436=; no amino-acid change (alanine 436 retained).
Molecular consequence: synonymous variant. On other transcripts: non-coding transcript variant (1).
Genome position (GRCh38, 1-based): chr19:10,991,212, T>C. VCF-style: chr19-10991212-T-C. GRCh37 (hg19) VCF-style: chr19-11101888-T-C.
Other names: c.1308T>C, p.Ala436= (NM_001128844.3, NM_001128845.2, NM_001128846.2 and 5 more transcripts).
Identifiers: ClinVar variation 480645 (VCV000480645.22), dbSNP rs1555757594, ClinGen allele CA505490096.
Genomic context (GRCh38, chr19:10,991,212, plus strand): 5'-GCGCCAGGAGGTGGTGGTGTGCATGCGGAGGGACACAGCGCTGGAGACAGCCCTCAATGC[T>C]AAGGCCTACAAGCGCAGCAAGCGCCAGTCCCTGCGCGAGGCCCGCATCACTGAGAAGCTG-3'
Protein context (NP_003063.2, residues 426-446): RDTALETALN[Ala436=]KAYKRSKRQS